The following is an entry in ClinVar:

ClinVar aggregate classification (germline): Pathogenic/Likely pathogenic, low penetrance. Review status: criteria provided, multiple submitters, no conflicts (2 of 4 stars). 2 submissions from 2 submitters: Pathogenic (1); Likely pathogenic, low penetrance (1). Last evaluated 2025-09-26.

Conditions:
Factor I deficiency (CFID). Also called: Complement factor I deficiency. Identifiers: Orphanet 200418, MedGen C3463916, MONDO:0012594, OMIM 610984.

Allele frequency attached by ClinVar (database versions not stated): TOPMed below 0.00001; ExAC 0.00001.
gnomAD v4.1: 2 of 1,613,874 alleles (0.00012%); highest among the groups gnomAD compares: Non-Finnish European, 0.000085%; no homozygotes.

Submissions (2):

Genomenon, Inc
Classification: Likely pathogenic, low penetrance for Factor I deficiency. Last evaluated: 2025-09-26. Review status: criteria provided, single submitter. Criteria: Genomenon Sequence Variant Interpretation Standards - Updated. Collection method: curation. Allele origin: germline. Affected: yes.
Comment: CFI p.Gly188Val (c.563G>T) is a missense variant that changes the amino acid at residue 188 from Glycine to Valine. This variant has been observed in at least one proband affected with complement factor I deficiency (PMID:19065647). It has been observed in trans with a pathogenic/likely pathogenic variant (PMID:19065647). At least one functional study has demonstrated a substantial alteration in protein function relative to the wild-type (PMID:19065647). It is absent or not present at a significant frequency in gnomAD. In conclusion, we classify CFI p.Gly188Val (c.563G>T) as a likely pathogenic, low penetrance variant.

Center for Genomic Medicine, Rigshospitalet, Copenhagen University Hospital
Classification: Pathogenic. Last evaluated: 2025-03-04. Review status: criteria provided, single submitter. Criteria: ACMG Guidelines, 2015. Collection method: clinical testing. Allele origin: germline.

Literature cited by the submitters: PubMed 19065647 (cited by Genomenon, Inc and Center for Genomic Medicine, Rigshospitalet, Copenhagen University Hospital); PubMed 23685748 (cited by Center for Genomic Medicine, Rigshospitalet, Copenhagen University Hospital).

NM_000204.5(CFI):c.563G>T (p.Gly188Val)

Gene: CFI (complement factor I; minus strand). Cytogenetic location: 4q25.
Variant type: single nucleotide variant.
Coding change: c.563G>T on transcript NM_000204.5 (MANE Select); coding-DNA position 563, G replaced by T.
Protein change: p.Gly188Val; replaces glycine 188 with valine.
Molecular consequence: missense variant. On other transcripts: 5 prime UTR variant (1), non-coding transcript variant (3).
Genome position (GRCh38, 1-based): chr4:109,761,612, C>A on the plus strand (G>T on the coding strand, the complement: CFI is on the minus strand). VCF-style: chr4-109761612-C-A. GRCh37 (hg19) VCF-style: chr4-110682768-C-A.
Other names: c.563G>T, p.Gly188Val (NM_001318057.2, NM_001331035.2, NM_001375278.1 and 5 more transcripts); c.-47G>T (NM_001375284.1); short protein forms G188V.
Identifiers: ClinVar variation 1802728 (VCV001802728.5), dbSNP rs769721080, ClinGen allele CA3042229.